The following is an entry in ClinVar:

ClinVar aggregate classification (germline): Uncertain significance. Review status: criteria provided, multiple submitters, no conflicts (2 of 4 stars). 3 submissions from 3 submitters: Uncertain significance (3). Last evaluated 2025-05-26.

Conditions:
Inborn genetic diseases. Identifiers: MedGen C0950123, MeSH D030342.
Tumoral calcinosis, hyperphosphatemic, familial, 1. Also called: CALCINOSIS, TUMORAL, WITH HYPERPHOSPHATEMIA; LIPOCALCINOGRANULOMATOSIS; MORBUS TEUTSCHLAENDER; TEUTSCHLAENDER DISEASE, FAMILIAL; TUMORAL CALCINOSIS, PRIMARY HYPERPHOSPHATEMIC; HYPEROSTOSIS WITH HYPERPHOSPHATEMIA. Identifiers: Orphanet 53715, MedGen C4692564, MONDO:0100252, OMIM 211900.

Allele frequency attached by ClinVar (database versions not stated): ExAC 0.00013; gnomAD exomes 0.00013 and 0.00015; gnomAD 0.00016 and 0.00017; TOPMed 0.00024; ESP Exome Variant Server 0.00038.

Submissions (3):

Ambry Genetics
Classification: Uncertain significance for Inborn genetic diseases. Last evaluated: 2025-05-26. Review status: criteria provided, single submitter. Criteria: Ambry Variant Classification Scheme 2023. Collection method: clinical testing. Allele origin: germline.

Labcorp Genetics (formerly Invitae), Labcorp
Classification: Uncertain significance. Last evaluated: 2024-10-24. Review status: criteria provided, single submitter. Criteria: Invitae Variant Classification Sherloc (09022015). Collection method: clinical testing. Allele origin: germline.
Comment: This sequence change replaces threonine, which is neutral and polar, with methionine, which is neutral and non-polar, at codon 200 of the GALNT3 protein (p.Thr200Met). This variant is present in population databases (rs138645426, gnomAD 0.03%). This variant has not been reported in the literature in individuals affected with GALNT3-related conditions. ClinVar contains an entry for this variant (Variation ID: 1515928). Invitae Evidence Modeling of protein sequence and biophysical properties (such as structural, functional, and spatial information, amino acid conservation, physicochemical variation, residue mobility, and thermodynamic stability) indicates that this missense variant is not expected to disrupt GALNT3 protein function with a negative predictive value of 80%. In summary, the available evidence is currently insufficient to determine the role of this variant in disease. Therefore, it has been classified as a Variant of Uncertain Significance.

Fulgent Genetics
Classification: Uncertain significance for Tumoral calcinosis, hyperphosphatemic, familial, 1. Last evaluated: 2024-04-17. Review status: criteria provided, single submitter. Criteria: ACMG Guidelines, 2015. Collection method: clinical testing. Allele origin: germline.

NM_004482.4(GALNT3):c.599C>T (p.Thr200Met)

Gene: GALNT3 (polypeptide N-acetylgalactosaminyltransferase 3; minus strand). Cytogenetic location: 2q24.3.
Variant type: single nucleotide variant.
Coding change: c.599C>T on transcript NM_004482.4 (MANE Select); coding-DNA position 599, C replaced by T.
Protein change: p.Thr200Met; replaces threonine 200 with methionine.
Molecular consequence: missense variant.
Genome position (GRCh38, 1-based): chr2:165,764,973, G>A on the plus strand (C>T on the coding strand, the complement: GALNT3 is on the minus strand). VCF-style: chr2-165764973-G-A. GRCh37 (hg19) VCF-style: chr2-166621483-G-A.
Other names: c.599C>T (NM_004482.3); short protein forms T200M.
Identifiers: ClinVar variation 1515928 (VCV001515928.7), dbSNP rs138645426, ClinGen allele CA1941185.